The following is an entry in ClinVar:

NM_001458.5(FLNC):c.4812G>A (p.Pro1604=)

Gene: FLNC (filamin C; plus strand). Cytogenetic location: 7q32.1.
Variant type: single nucleotide variant.
Coding change: c.4812G>A on transcript NM_001458.5 (MANE Select); coding-DNA position 4812, G replaced by A.
Protein change: p.Pro1604=; no amino-acid change (proline 1604 retained).
Molecular consequence: synonymous variant.
Genome position (GRCh38, 1-based): chr7:128,848,867, G>A. VCF-style: chr7-128848867-G-A. GRCh37 (hg19) VCF-style: chr7-128488921-G-A.
Other names: c.4812G>A, p.Pro1604= (NM_001127487.2).
Identifiers: ClinVar variation 853811 (VCV000853811.15), dbSNP rs553400393, ClinGen allele CA4475464.

ClinVar aggregate classification (germline): Likely benign. Review status: criteria provided, multiple submitters, no conflicts (2 of 4 stars). 5 submissions from 5 submitters: Likely benign (3). 2 of the submissions do not count toward it. Last evaluated 2026-01-27.

Conditions:
Hypertrophic cardiomyopathy 26. Also called: Cardiomyopathy, familial hypertrophic, 26. Identifiers: Orphanet 75249, MedGen C4310749, MONDO:0014883, OMIM 617047.
Distal myopathy with posterior leg and anterior hand involvement. Also called: WILLIAMS DISTAL MYOPATHY. Identifiers: Orphanet 63273, MedGen C3279722, MONDO:0013550, OMIM 614065.
Myofibrillar myopathy 5. Also called: FILAMINOPATHY, AUTOSOMAL DOMINANT; Filaminopathy (type). Identifiers: Orphanet 171445, MedGen C1836050, MONDO:0012289, OMIM 609524.
FLNC-related disorder. Also called: FLNC-related condition; FLNC-related disorders.
Cardiovascular phenotype. Identifiers: MedGen CN230736.

Allele frequency attached by ClinVar (database versions not stated): ExAC 0.00002; TOPMed 0.00004; 1000 Genomes Project 30x 0.00016; 1000 Genomes Project 0.00020.
gnomAD v4.1: 22 of 1,614,064 alleles (0.0014%); highest among the groups gnomAD compares: African/African-American, 0.011%; no homozygotes.

Submissions (5):

Labcorp Genetics (formerly Invitae), Labcorp
Classification: Likely benign for Distal myopathy with posterior leg and anterior hand involvement; Myofibrillar myopathy 5; Hypertrophic cardiomyopathy 26. Last evaluated: 2026-01-27. Review status: criteria provided, single submitter. Criteria: Invitae Variant Classification Sherloc (09022015). Collection method: clinical testing. Allele origin: germline.

PreventionGenetics, part of Exact Sciences
Classification: Likely benign for FLNC-related condition. Last evaluated: 2025-04-16. Review status: criteria provided, single submitter. Criteria: ACMG Guidelines, 2015. Collection method: clinical testing. Allele origin: germline.
Comment: This variant is classified as likely benign based on ACMG/AMP sequence variant interpretation guidelines (Richards et al. 2015 PMID: 25741868, with internal and published modifications).

Ambry Genetics
Classification: Likely benign for Cardiovascular phenotype. Last evaluated: 2019-05-08. Review status: criteria provided, single submitter. Criteria: Ambry Variant Classification Scheme 2023. Collection method: clinical testing. Allele origin: germline.

Clinical Genetics, Academic Medical Center
Classification: Benign. Review status: no assertion criteria provided. Collection method: clinical testing. Allele origin: germline. Affected: yes. Study: VKGL Data-share Consensus. Not counted in ClinVar's aggregate classification.

Joint Genome Diagnostic Labs from Nijmegen and Maastricht, Radboudumc and MUMC+
Classification: Likely benign. Review status: no assertion criteria provided. Collection method: clinical testing. Allele origin: germline. Affected: yes. Study: VKGL Data-share Consensus. Not counted in ClinVar's aggregate classification.